The following is an entry in ClinVar:

NM_001042492.3(NF1):c.3871-31_3871-8del

Gene: NF1 (neurofibromin 1; plus strand). Cytogenetic location: 17q11.2.
Variant type: Deletion.
Coding change: c.3871-31_3871-8del on transcript NM_001042492.3 (MANE Select); 31 bases into the intron before coding-DNA position 3871 through 8 bases into the intron before coding-DNA position 3871, 24 bases deleted (ATAATAAACTCCTATTCGTGCATT).
Molecular consequence: intron variant.
Genome position (GRCh38, 1-based): chr17:31,235,887-31,235,910, ATAATAAACTCCTATTCGTGCATT deleted; deleting any 24 consecutive bases within chr17:31,235,886-31,235,910 gives the same sequence; the c. name uses the placement nearest the transcript's 3' end. VCF-style (leftmost placement, unchanged base first): chr17-31235885-GTATAATAAACTCCTATTCGTGCAT-G. GRCh37 (hg19) VCF-style: chr17-29562903-GTATAATAAACTCCTATTCGTGCAT-G.
Other names: c.3871-31_3871-8del (NM_000267.4).
Identifiers: ClinVar variation 2819934 (VCV002819934.3), dbSNP rs2508263181, ClinGen allele CA2739267382.

ClinVar aggregate classification (germline): Uncertain significance (1 of 4 stars; one submission).

Conditions:
Neurofibromatosis, type 1 (NF1). Also called: VON RECKLINGHAUSEN DISEASE; Peripheral type neurofibromatosis; Neurofibromatosis, type I; NEUROFIBROMATOSIS, TYPE I, SOMATIC. Identifiers: Orphanet 636, MedGen C0027831, MONDO:0018975, OMIM 162200. Disease mechanism: loss of function.

Submission:

Labcorp Genetics (formerly Invitae), Labcorp
Classification: Uncertain significance for Neurofibromatosis, type 1. Last evaluated: 2022-12-10. Review status: criteria provided, single submitter. Criteria: Invitae Variant Classification Sherloc (09022015). Collection method: clinical testing. Allele origin: germline.
Comment: In summary, the available evidence is currently insufficient to determine the role of this variant in disease. Therefore, it has been classified as a Variant of Uncertain Significance. Algorithms developed to predict the effect of sequence changes on RNA splicing suggest that this variant may disrupt the consensus splice site. This variant has not been reported in the literature in individuals affected with NF1-related conditions. This variant is not present in population databases (gnomAD no frequency). This sequence change falls in intron 28 of the NF1 gene. It does not directly change the encoded amino acid sequence of the NF1 protein.